The following is an entry in ClinVar:

ClinVar aggregate classification (germline): Uncertain significance. Review status: criteria provided, multiple submitters, no conflicts (2 of 4 stars). 2 submissions from 2 submitters: Uncertain significance (2). Last evaluated 2025-11-06.

Conditions:
Neurodegeneration with brain iron accumulation 5 (NBIA5). Also called: Beta-propeller protein-associated neurodegeneration; STATIC ENCEPHALOPATHY OF CHILDHOOD WITH NEURODEGENERATION IN ADULTHOOD. Identifiers: Orphanet 329284, MedGen C3550973, MONDO:0010476, OMIM 300894.

Allele frequency attached by ClinVar (database versions not stated): gnomAD exomes below 0.00001.

Submissions (2):

Labcorp Genetics (formerly Invitae), Labcorp
Classification: Uncertain significance for Neurodegeneration with brain iron accumulation 5. Last evaluated: 2025-11-06. Review status: criteria provided, single submitter. Criteria: Invitae Variant Classification Sherloc (09022015). Collection method: clinical testing. Allele origin: germline.
Comment: This sequence change replaces arginine, which is basic and polar, with glycine, which is neutral and non-polar, at codon 123 of the WDR45 protein (p.Arg123Gly). This variant is present in population databases (no rsID available, gnomAD 0.008%). This variant has not been reported in the literature in individuals affected with WDR45-related conditions. ClinVar contains an entry for this variant (Variation ID: 2690448). Invitae Evidence Modeling of protein sequence and biophysical properties (such as structural, functional, and spatial information, amino acid conservation, physicochemical variation, residue mobility, and thermodynamic stability) indicates that this missense variant is not expected to disrupt WDR45 protein function with a negative predictive value of 80%. In summary, the available evidence is currently insufficient to determine the role of this variant in disease. Therefore, it has been classified as a Variant of Uncertain Significance.

Revvity Omics, Revvity
Classification: Uncertain significance for Neurodegeneration with brain iron accumulation 5. Last evaluated: 2023-03-07. Review status: criteria provided, single submitter. Criteria: ACMG Guidelines, 2015. Collection method: clinical testing. Allele origin: germline.

NM_001029896.2(WDR45):c.364C>G (p.Arg122Gly)

Gene: WDR45 (WD repeat domain 45; minus strand). Cytogenetic location: Xp11.23.
Variant type: single nucleotide variant.
Coding change: c.364C>G on transcript NM_001029896.2 (MANE Select); coding-DNA position 364, C replaced by G.
Protein change: p.Arg122Gly; replaces arginine 122 with glycine.
Molecular consequence: missense variant.
Genome position (GRCh38, 1-based): chrX:49,076,502, G>C on the plus strand (C>G on the coding strand, the complement: WDR45 is on the minus strand). VCF-style: chrX-49076502-G-C. GRCh37 (hg19) VCF-style: chrX-48934161-G-C.
Other names: c.367C>G, p.Arg123Gly (NM_007075.4); short protein forms R122G, R123G.
Identifiers: ClinVar variation 2690448 (VCV002690448.3), dbSNP rs782643042, ClinGen allele CA412946373.
Genomic context (GRCh38, chrX:49,076,502, plus strand): 5'-CCCGGGTATCAAACTCAAACAGCTTTCGGGGATTGTCGGGGAAGGAGTACACATAGATGC[G>C]GTTCTTCAGCACGATCACGATCCTGTGGGTATCACACAACACAGGATGGCCGTGAGGGGG-3'
Protein context (NP_001025067.1, residues 112-132): HDKIVIVLKN[Arg122Gly]IYVYSFPDNP